The following is an entry in ClinVar:

NM_004168.4(SDHA):c.1243A>C (p.Thr415Pro)

Gene: SDHA (succinate dehydrogenase complex flavoprotein subunit A; plus strand). Cytogenetic location: 5p15.33.
Variant type: single nucleotide variant.
Coding change: c.1243A>C on transcript NM_004168.4 (MANE Select); coding-DNA position 1243, A replaced by C.
Protein change: p.Thr415Pro; replaces threonine 415 with proline.
Molecular consequence: missense variant.
Genome position (GRCh38, 1-based): chr5:235,322, A>C. VCF-style: chr5-235322-A-C. GRCh37 (hg19) VCF-style: chr5-235437-A-C.
Other names: c.1099A>C, p.Thr367Pro (NM_001294332.2); c.1243A>C, p.Thr415Pro (NM_001330758.2); short protein forms T415P, T367P.
Identifiers: ClinVar variation 4791157 (VCV004791157.1).

ClinVar aggregate classification (germline): Uncertain significance (1 of 4 stars; one submission).

Conditions:
Mitochondrial complex II deficiency, nuclear type 1. Also called: SUCCINATE CoQ REDUCTASE DEFICIENCY. Identifiers: Orphanet 3208, MedGen C5700310, MONDO:0100294, OMIM 252011.
Pheochromocytoma/paraganglioma syndrome 5. Also called: Paragangliomas 5; SDHA-Related Hereditary Paraganglioma-Pheochromocytoma Syndrome. Identifiers: Orphanet 29072, MedGen C3279992, MONDO:0013602, OMIM 614165.

Submission:

Labcorp Genetics (formerly Invitae), Labcorp
Classification: Uncertain significance for Pheochromocytoma/paraganglioma syndrome 5; Mitochondrial complex II deficiency, nuclear type 1. Last evaluated: 2025-05-18. Review status: criteria provided, single submitter. Criteria: Invitae Variant Classification Sherloc (09022015). Collection method: clinical testing. Allele origin: germline.
Comment: This sequence change replaces threonine, which is neutral and polar, with proline, which is neutral and non-polar, at codon 415 of the SDHA protein (p.Thr415Pro). This variant is not present in population databases (gnomAD no frequency). This variant has not been reported in the literature in individuals affected with SDHA-related conditions. Invitae Evidence Modeling of protein sequence and biophysical properties (such as structural, functional, and spatial information, amino acid conservation, physicochemical variation, residue mobility, and thermodynamic stability) has been performed for this missense variant. However, the output from this modeling did not meet the statistical confidence thresholds required to predict the impact of this variant on SDHA protein function. In summary, the available evidence is currently insufficient to determine the role of this variant in disease. Therefore, it has been classified as a Variant of Uncertain Significance.